The following is an entry in ClinVar:

ClinVar aggregate classification (germline): Benign/Likely benign. Review status: criteria provided, multiple submitters, no conflicts (2 of 4 stars). 4 submissions from 4 submitters: Benign (1); Likely benign (2). 1 of the submissions does not count toward it. Last evaluated 2025-07-09.

Conditions:
PIEZO1-related disorder. Also called: PIEZO1-related condition; PIEZO1-Related Disorders.

Allele frequency attached by ClinVar (database versions not stated): gnomAD 0.00004.
gnomAD v4.1: 111 of 1,537,828 alleles (0.0072%); highest among the groups gnomAD compares: Middle Eastern, 0.95%; no homozygotes.

Submissions (4):

Labcorp Genetics (formerly Invitae), Labcorp
Classification: Benign. Last evaluated: 2025-07-09. Review status: criteria provided, single submitter. Criteria: Invitae Variant Classification Sherloc (09022015). Collection method: clinical testing. Allele origin: germline.

CeGaT Center for Human Genetics Tuebingen
Classification: Likely benign. Last evaluated: 2025-05-01. Review status: criteria provided, single submitter. Criteria: CeGaT Center For Human Genetics Tuebingen Variant Classification Criteria Version 2. Collection method: clinical testing. Allele origin: germline. Affected: yes. Observed: 2 variant alleles.
Comment: PIEZO1: BP4, BP7

Blueprint Genetics
Classification: Likely benign. Last evaluated: 2024-07-22. Review status: criteria provided, single submitter. Criteria: ACMG Guidelines, 2015. Collection method: clinical testing. Allele origin: germline.

PreventionGenetics, part of Exact Sciences
Classification: Likely benign for PIEZO1-related condition. Last evaluated: 2019-03-04. Review status: no assertion criteria provided. Collection method: clinical testing. Allele origin: germline. Not counted in ClinVar's aggregate classification.
Comment: This variant is classified as likely benign based on ACMG/AMP sequence variant interpretation guidelines (Richards et al. 2015 PMID: 25741868, with internal and published modifications).

NM_001142864.4(PIEZO1):c.4743C>T (p.Thr1581=)

Gene: PIEZO1 (piezo type mechanosensitive ion channel component 1 (Er blood group); minus strand). Cytogenetic location: 16q24.3.
Variant type: single nucleotide variant.
Coding change: c.4743C>T on transcript NM_001142864.4 (MANE Select); coding-DNA position 4743, C replaced by T.
Protein change: p.Thr1581=; no amino-acid change (threonine 1581 retained).
Molecular consequence: synonymous variant.
Genome position (GRCh38, 1-based): chr16:88,722,615, G>A on the plus strand (C>T on the coding strand, the complement: PIEZO1 is on the minus strand). VCF-style: chr16-88722615-G-A. GRCh37 (hg19) VCF-style: chr16-88789023-G-A.
Other names: c.4743C>T (NM_001142864.3); c.3285C>T, p.Thr1095= (NM_014745.1).
Identifiers: ClinVar variation 2166604 (VCV002166604.28), dbSNP rs769386844, ClinGen allele CA8232058.